The following is an entry in ClinVar:

ClinVar aggregate classification (germline): Uncertain significance (1 of 4 stars; one submission).

Conditions:
Developmental and epileptic encephalopathy, 33 (DEE33). Also called: Epileptic encephalopathy, early infantile, 33. Identifiers: Orphanet 442835, MedGen C4225337, MONDO:0014625, OMIM 616409.

Allele frequency attached by ClinVar (database versions not stated): gnomAD exomes below 0.00001.
gnomAD v4.1: 1 of 1,612,546 alleles (0.000062%); highest among the groups gnomAD compares: Non-Finnish European, 0.000085%; no homozygotes.

Submission:

Labcorp Genetics (formerly Invitae), Labcorp
Classification: Uncertain significance for Developmental and epileptic encephalopathy, 33. Last evaluated: 2022-10-26. Review status: criteria provided, single submitter. Criteria: Invitae Variant Classification Sherloc (09022015). Collection method: clinical testing. Allele origin: germline.
Comment: ClinVar contains an entry for this variant (Variation ID: 1464878). This variant has not been reported in the literature in individuals affected with EEF1A2-related conditions. Variants that disrupt the consensus splice site are a relatively common cause of aberrant splicing (PMID: 17576681, 9536098). Algorithms developed to predict the effect of sequence changes on RNA splicing suggest that this variant may create or strengthen a splice site. This variant is not present in population databases (gnomAD no frequency). This sequence change falls in intron 3 of the EEF1A2 gene. It does not directly change the encoded amino acid sequence of the EEF1A2 protein. It affects a nucleotide within the consensus splice site. In summary, the available evidence is currently insufficient to determine the role of this variant in disease. Therefore, it has been classified as a Variant of Uncertain Significance.

Literature cited by the submitters: PubMed 17576681; PubMed 9536098.

NM_001958.5(EEF1A2):c.324+5G>A

Gene: EEF1A2 (eukaryotic translation elongation factor 1 alpha 2; minus strand). Cytogenetic location: 20q13.33.
Variant type: single nucleotide variant.
Coding change: c.324+5G>A on transcript NM_001958.5 (MANE Select); 5 bases into the intron after coding-DNA position 324, G replaced by A.
Molecular consequence: intron variant.
Genome position (GRCh38, 1-based): chr20:63,495,851, C>T on the plus strand (G>A on the coding strand, the complement: EEF1A2 is on the minus strand). VCF-style: chr20-63495851-C-T. GRCh37 (hg19) VCF-style: chr20-62127204-C-T.
Identifiers: ClinVar variation 1464878 (VCV001464878.6), dbSNP rs762973465, ClinGen allele CA2573157316.